The following is an entry in ClinVar:

ClinVar aggregate classification (germline): Uncertain significance (1 of 4 stars; one submission).

Conditions:
Epileptic encephalopathy. Identifiers: MedGen C0543888, HP:0200134.

Submission:

Labcorp Genetics (formerly Invitae), Labcorp
Classification: Uncertain significance for Epileptic encephalopathy. Last evaluated: 2022-02-04. Review status: criteria provided, single submitter. Criteria: Invitae Variant Classification Sherloc (09022015). Collection method: clinical testing. Allele origin: germline.
Comment: Algorithms developed to predict the effect of missense changes on protein structure and function (SIFT, PolyPhen-2, Align-GVGD) all suggest that this variant is likely to be disruptive. This sequence change replaces asparagine, which is neutral and polar, with isoleucine, which is neutral and non-polar, at codon 919 of the RYR3 protein (p.Asn919Ile). This variant is not present in population databases (gnomAD no frequency). This variant has not been reported in the literature in individuals affected with RYR3-related conditions. ClinVar contains an entry for this variant (Variation ID: 949457). In summary, the available evidence is currently insufficient to determine the role of this variant in disease. Therefore, it has been classified as a Variant of Uncertain Significance.

NM_001036.6(RYR3):c.2756A>T (p.Asn919Ile)

Gene: RYR3 (ryanodine receptor 3; plus strand). Cytogenetic location: 15q14.
Variant type: single nucleotide variant.
Coding change: c.2756A>T on transcript NM_001036.6 (MANE Select); coding-DNA position 2756, A replaced by T.
Protein change: p.Asn919Ile; replaces asparagine 919 with isoleucine.
Molecular consequence: missense variant.
Genome position (GRCh38, 1-based): chr15:33,630,016, A>T. VCF-style: chr15-33630016-A-T. GRCh37 (hg19) VCF-style: chr15-33922217-A-T.
Other names: c.2756A>T, p.Asn919Ile (NM_001243996.4); short protein forms N919I.
Identifiers: ClinVar variation 949457 (VCV000949457.9), dbSNP rs2061188561, ClinGen allele CA391570287.